The following is an entry in ClinVar:

NM_020975.6(RET):c.2107C>G (p.Gln703Glu)

Gene: RET (ret proto-oncogene; plus strand). Cytogenetic location: 10q11.21.
Variant type: single nucleotide variant.
Coding change: c.2107C>G on transcript NM_020975.6 (MANE Select); coding-DNA position 2107, C replaced by G.
Protein change: p.Gln703Glu; replaces glutamine 703 with glutamic acid.
Molecular consequence: missense variant.
Genome position (GRCh38, 1-based): chr10:43,114,707, C>G. VCF-style: chr10-43114707-C-G. GRCh37 (hg19) VCF-style: chr10-43610155-C-G.
Other names: c.2107C>G, p.Gln703Glu (NM_000323.2, NM_001406743.1, NM_001406744.1 and 4 more transcripts); c.1345C>G, p.Gln449Glu (NM_001355216.2); c.1978C>G, p.Gln660Glu (NM_001406761.1, NM_001406762.1, NM_001406764.1); c.1972C>G, p.Gln658Glu (NM_001406763.1, NM_001406765.1); c.1819C>G, p.Gln607Glu (NM_001406766.1, NM_001406767.1, NM_001406770.1); c.1843C>G, p.Gln615Glu (NM_001406768.1); c.1711C>G, p.Gln571Glu (NM_001406769.1, NM_001406772.1); c.1669C>G, p.Gln557Glu (NM_001406771.1, NM_001406773.1); and 10 more; short protein forms Q449E, Q703E, Q268E, Q571E, Q373E, Q615E, Q220E, Q359E.
Identifiers: ClinVar variation 1501230 (VCV001501230.8), dbSNP rs2132854777, ClinGen allele CA376553327.

ClinVar aggregate classification (germline): Uncertain significance. Review status: criteria provided, multiple submitters, no conflicts (2 of 4 stars). 2 submissions from 2 submitters: Uncertain significance (2). Last evaluated 2023-07-10.

Conditions:
Multiple endocrine neoplasia, type 2 (MEN2). Identifiers: Orphanet 653, MedGen C4048306, MONDO:0019003. Disease mechanism: gain of function.

Allele frequency attached by ClinVar (database versions not stated): gnomAD exomes below 0.00001.
gnomAD v4.1: 2 of 1,611,838 alleles (0.00012%); highest among the groups gnomAD compares: Non-Finnish European, 0.00017%; no homozygotes.

Submissions (2):

GeneDx
Classification: Uncertain significance. Last evaluated: 2023-07-10. Review status: criteria provided, single submitter. Criteria: GeneDx Variant Classification Process June 2021. Collection method: clinical testing. Allele origin: germline. Affected: yes.
Comment: Not observed at significant frequency in large population cohorts (gnomAD); In silico analysis supports that this missense variant does not alter protein structure/function; Has not been previously published as pathogenic or benign to our knowledge; This variant is associated with the following publications: (PMID: 14633923)

Labcorp Genetics (formerly Invitae), Labcorp
Classification: Uncertain significance for Multiple endocrine neoplasia, type 2. Last evaluated: 2021-09-18. Review status: criteria provided, single submitter. Criteria: Invitae Variant Classification Sherloc (09022015). Collection method: clinical testing. Allele origin: germline.
Comment: Algorithms developed to predict the effect of missense changes on protein structure and function are either unavailable or do not agree on the potential impact of this missense change (SIFT: "Tolerated"; PolyPhen-2: "Possibly Damaging"; Align-GVGD: "Class C0"). In summary, the available evidence is currently insufficient to determine the role of this variant in disease. Therefore, it has been classified as a Variant of Uncertain Significance. This variant is not present in population databases (ExAC no frequency). This variant has not been reported in the literature in individuals affected with RET-related conditions. This sequence change replaces glutamine with glutamic acid at codon 703 of the RET protein (p.Gln703Glu). The glutamine residue is moderately conserved and there is a small physicochemical difference between glutamine and glutamic acid.